The following is an entry in ClinVar:

ClinVar aggregate classification (germline): Uncertain significance (1 of 4 stars; one submission).

Conditions:
Acute myeloid leukemia (AML). Also called: Acute myeloid leukemia, adult; AML adult; Acute non-lymphocytic leukemia; Acute granulocytic leukemia; Leukemia, acute myeloid, somatic; Leukemia, acute myelogenous, somatic. Identifiers: Orphanet 519, MedGen C0023467, MeSH D015470, MONDO:0018874, OMIM 601626, HP:0004808. Disease mechanism: Constitutively activated FLT3.

Allele frequency attached by ClinVar (database versions not stated): gnomAD exomes 0.00001.
gnomAD v4.1: 4 of 1,484,420 alleles (0.00027%); highest among the groups gnomAD compares: Non-Finnish European, 0.00036%; no homozygotes.

Submission:

Labcorp Genetics (formerly Invitae), Labcorp
Classification: Uncertain significance for Acute myeloid leukemia. Last evaluated: 2019-12-19. Review status: criteria provided, single submitter. Criteria: Invitae Variant Classification Sherloc (09022015). Collection method: clinical testing. Allele origin: germline.
Comment: This sequence change replaces alanine with serine at codon 47 of the CEBPA protein (p.Ala47Ser). The alanine residue is weakly conserved and there is a moderate physicochemical difference between alanine and serine. The frequency data for this variant in the population databases is considered unreliable, as metrics indicate insufficient coverage at this position in the ExAC database. This variant has not been reported in the literature in individuals with CEBPA-related conditions. Algorithms developed to predict the effect of missense changes on protein structure and function are either unavailable or do not agree on the potential impact of this missense change (SIFT: "Tolerated"; PolyPhen-2: "Probably Damaging"; Align-GVGD: "Class C0"). In summary, the available evidence is currently insufficient to determine the role of this variant in disease. Therefore, it has been classified as a Variant of Uncertain Significance.

NM_004364.5(CEBPA):c.139G>T (p.Ala47Ser)

Gene: CEBPA (CCAAT enhancer binding protein alpha; minus strand). Cytogenetic location: 19q13.11.
Variant type: single nucleotide variant.
Coding change: c.139G>T on transcript NM_004364.5 (MANE Select); coding-DNA position 139, G replaced by T.
Protein change: p.Ala47Ser; replaces alanine 47 with serine.
Molecular consequence: missense variant. On other transcripts: 5 prime UTR variant (1).
Genome position (GRCh38, 1-based): chr19:33,302,276, C>A on the plus strand (G>T on the coding strand, the complement: CEBPA is on the minus strand). VCF-style: chr19-33302276-C-A. GRCh37 (hg19) VCF-style: chr19-33793182-C-A.
Other names: c.-219G>T (NM_001285829.2); c.244G>T, p.Ala82Ser (NM_001287424.2); c.97G>T, p.Ala33Ser (NM_001287435.2); short protein forms A33S, A47S, A82S.
Identifiers: ClinVar variation 855363 (VCV000855363.2), dbSNP rs1182161658, ClinGen allele CA405275595.